The following is an entry in ClinVar:

ClinVar aggregate classification (germline): Uncertain significance. Review status: criteria provided, multiple submitters, no conflicts (2 of 4 stars). 2 submissions from 2 submitters: Uncertain significance (2). Last evaluated 2025-04-21.

Conditions:
Lethal Kniest-like syndrome (DDSH). Also called: Dyssegmental Dysplasia. Identifiers: Orphanet 1865, MedGen C1857100, MONDO:0009140, OMIM 224410.
Schwartz-Jampel syndrome type 1 (SJS1). Also called: MYOTONIC MYOPATHY, DWARFISM, CHONDRODYSTROPHY, AND OCULAR AND FACIAL ABNORMALITIES; CHONDRODYSTROPHIC MYOTONIA. Identifiers: MedGen C4551479, MONDO:0100435, OMIM 255800.

Allele frequency attached by ClinVar (database versions not stated): gnomAD exomes 0.00003 and 0.00005; TOPMed 0.00003; gnomAD 0.00004 and 0.00005; ESP Exome Variant Server 0.00008; ExAC 0.00009; 1000 Genomes Project 30x 0.00016; 1000 Genomes Project 0.00020.
gnomAD v4.1: 43 of 1,611,430 alleles (0.0027%); highest among the groups gnomAD compares: South Asian, 0.028%; no homozygotes.

Submissions (2):

Labcorp Genetics (formerly Invitae), Labcorp
Classification: Uncertain significance. Last evaluated: 2025-04-21. Review status: criteria provided, single submitter. Criteria: Invitae Variant Classification Sherloc (09022015). Collection method: clinical testing. Allele origin: germline.
Comment: This sequence change replaces arginine, which is basic and polar, with glutamine, which is neutral and polar, at codon 1725 of the HSPG2 protein (p.Arg1725Gln). This variant is present in population databases (rs377462320, gnomAD 0.03%). This variant has not been reported in the literature in individuals affected with HSPG2-related conditions. ClinVar contains an entry for this variant (Variation ID: 1701784). An algorithm developed to predict the effect of missense changes on protein structure and function (PolyPhen-2) suggests that this variant is likely to be disruptive. In summary, the available evidence is currently insufficient to determine the role of this variant in disease. Therefore, it has been classified as a Variant of Uncertain Significance.

New York Genome Center
Classification: Uncertain significance for Schwartz-Jampel syndrome type 1; Lethal Kniest-like syndrome. Last evaluated: 2021-09-03. Review status: criteria provided, single submitter. Criteria: NYGC Assertion Criteria 2020. Collection method: clinical testing. Allele origin: inherited. Observed: 1 compound heterozygote. Study: CSER-NYCKidSeq.

NM_005529.7(HSPG2):c.5174G>A (p.Arg1725Gln)

Gene: HSPG2 (heparan sulfate proteoglycan 2; minus strand). Cytogenetic location: 1p36.12.
Variant type: single nucleotide variant.
Coding change: c.5174G>A on transcript NM_005529.7 (MANE Select); coding-DNA position 5174, G replaced by A.
Protein change: p.Arg1725Gln; replaces arginine 1725 with glutamine.
Molecular consequence: missense variant.
Genome position (GRCh38, 1-based): chr1:21,859,843, C>T on the plus strand (G>A on the coding strand, the complement: HSPG2 is on the minus strand). VCF-style: chr1-21859843-C-T. GRCh37 (hg19) VCF-style: chr1-22186336-C-T.
Other names: c.5177G>A, p.Arg1726Gln (NM_001291860.2); short protein forms R1725Q, R1726Q.
Identifiers: ClinVar variation 1701784 (VCV001701784.3), dbSNP rs377462320, ClinGen allele CA672040.